The following is an entry in ClinVar:

NM_004168.4(SDHA):c.1358G>A (p.Gly453Glu)

Gene: SDHA (succinate dehydrogenase complex flavoprotein subunit A; plus strand). Cytogenetic location: 5p15.33.
Variant type: single nucleotide variant.
Coding change: c.1358G>A on transcript NM_004168.4 (MANE Select); coding-DNA position 1358, G replaced by A.
Protein change: p.Gly453Glu; replaces glycine 453 with glutamic acid.
Molecular consequence: missense variant.
Genome position (GRCh38, 1-based): chr5:236,525, G>A. VCF-style: chr5-236525-G-A. GRCh37 (hg19) VCF-style: chr5-236640-G-A.
Other names: c.1358G>A (NM_004168.2); c.1214G>A, p.Gly405Glu (NM_001294332.2); c.1358G>A, p.Gly453Glu (NM_001330758.2); short protein forms G405E, G453E.
Identifiers: ClinVar variation 640826 (VCV000640826.9), dbSNP rs1169286790, ClinGen allele CA359013995.

ClinVar aggregate classification (germline): Uncertain significance. Review status: criteria provided, multiple submitters, no conflicts (2 of 4 stars). 2 submissions from 2 submitters: Uncertain significance (2). Last evaluated 2026-01-29.

Conditions:
Mitochondrial complex II deficiency, nuclear type 1. Also called: SUCCINATE CoQ REDUCTASE DEFICIENCY. Identifiers: Orphanet 3208, MedGen C5700310, MONDO:0100294, OMIM 252011.
Pheochromocytoma/paraganglioma syndrome 5. Also called: Paragangliomas 5; SDHA-Related Hereditary Paraganglioma-Pheochromocytoma Syndrome. Identifiers: Orphanet 29072, MedGen C3279992, MONDO:0013602, OMIM 614165.
Hereditary cancer-predisposing syndrome. Also called: Neoplastic Syndromes, Hereditary; Tumor predisposition; Hereditary neoplastic syndrome; Hereditary Cancer Syndrome. Identifiers: Orphanet 140162, MedGen C0027672, MeSH D009386, MONDO:0015356.

Allele frequency attached by ClinVar (database versions not stated): gnomAD 0.00001.
gnomAD v4.1: 2 of 1,613,920 alleles (0.00012%); highest among the groups gnomAD compares: African/African-American, 0.0027%; no homozygotes.

Submissions (2):

Ambry Genetics
Classification: Uncertain significance for Hereditary cancer-predisposing syndrome. Last evaluated: 2026-01-29. Review status: criteria provided, single submitter. Criteria: Ambry Variant Classification Scheme 2023. Collection method: clinical testing. Allele origin: germline.
Comment: The p.G453E variant (also known as c.1358G>A), located in coding exon 10 of the SDHA gene, results from a G to A substitution at nucleotide position 1358. The glycine at codon 453 is replaced by glutamic acid, an amino acid with similar properties. This amino acid position is highly conserved in available vertebrate species. In addition, this alteration is predicted to be deleterious by in silico analysis. Based on the available evidence, the clinical significance of this variant remains unclear.

Labcorp Genetics (formerly Invitae), Labcorp
Classification: Uncertain significance for Pheochromocytoma/paraganglioma syndrome 5; Mitochondrial complex II deficiency, nuclear type 1. Last evaluated: 2025-04-14. Review status: criteria provided, single submitter. Criteria: Invitae Variant Classification Sherloc (09022015). Collection method: clinical testing. Allele origin: germline.
Comment: This sequence change replaces glycine, which is neutral and non-polar, with glutamic acid, which is acidic and polar, at codon 453 of the SDHA protein (p.Gly453Glu). This variant is present in population databases (no rsID available, gnomAD 0.02%). This variant has not been reported in the literature in individuals affected with SDHA-related conditions. ClinVar contains an entry for this variant (Variation ID: 640826). Invitae Evidence Modeling of protein sequence and biophysical properties (such as structural, functional, and spatial information, amino acid conservation, physicochemical variation, residue mobility, and thermodynamic stability) has been performed for this missense variant. However, the output from this modeling did not meet the statistical confidence thresholds required to predict the impact of this variant on SDHA protein function. In summary, the available evidence is currently insufficient to determine the role of this variant in disease. Therefore, it has been classified as a Variant of Uncertain Significance.